The following is an entry in ClinVar:

NM_153717.3(EVC):c.1657G>T (p.Glu553Ter)

Gene: EVC (EvC ciliary complex subunit 1; plus strand). Cytogenetic location: 4p16.2.
Variant type: single nucleotide variant.
Coding change: c.1657G>T on transcript NM_153717.3 (MANE Select); coding-DNA position 1657, G replaced by T.
Protein change: p.Glu553Ter; replaces glutamic acid 553 with a stop codon.
Molecular consequence: nonsense.
Genome position (GRCh38, 1-based): chr4:5,783,645, G>T. VCF-style: chr4-5783645-G-T. GRCh37 (hg19) VCF-style: chr4-5785372-G-T.
Other names: c.1657G>T, p.Glu553Ter (NM_001306090.2); short protein forms E553*.
Identifiers: ClinVar variation 2097815 (VCV002097815.4), dbSNP rs770649751, ClinGen allele CA356160885.

ClinVar aggregate classification (germline): Pathogenic (1 of 4 stars; one submission).

Conditions:
Ellis-van Creveld syndrome (EVC). Also called: EVC-Related Ellis-van Creveld Syndrome; EVC2-Related Ellis-van Creveld Syndrome; Chondroectodermal dysplasia; MESOECTODERMAL DYSPLASIA. Identifiers: Orphanet 289, MedGen C0013903, MONDO:0009162, OMIM 225500.
Curry-Hall syndrome (WAD). Also called: WEYERS ACRODENTAL DYSOSTOSIS. Identifiers: Orphanet 952, MedGen C0457013, MONDO:0008673, OMIM 193530.

Submission:

Labcorp Genetics (formerly Invitae), Labcorp
Classification: Pathogenic for Curry-Hall syndrome; Ellis-van Creveld syndrome. Last evaluated: 2022-02-17. Review status: criteria provided, single submitter. Criteria: Invitae Variant Classification Sherloc (09022015). Collection method: clinical testing. Allele origin: germline.
Comment: For these reasons, this variant has been classified as Pathogenic. This sequence change creates a premature translational stop signal (p.Glu553*) in the EVC gene. It is expected to result in an absent or disrupted protein product. Loss-of-function variants in EVC are known to be pathogenic (PMID: 23220543). This variant is not present in population databases (gnomAD no frequency). This variant has not been reported in the literature in individuals affected with EVC-related conditions.

Literature cited by the submitters: PubMed 23220543.